The following is an entry in ClinVar:

NM_006231.4(POLE):c.5204C>T (p.Ala1735Val)

Gene: POLE (DNA polymerase epsilon, catalytic subunit; minus strand). Cytogenetic location: 12q24.33.
Variant type: single nucleotide variant.
Coding change: c.5204C>T on transcript NM_006231.4 (MANE Select); coding-DNA position 5204, C replaced by T.
Protein change: p.Ala1735Val; replaces alanine 1735 with valine.
Molecular consequence: missense variant.
Genome position (GRCh38, 1-based): chr12:132,641,821, G>A on the plus strand (C>T on the coding strand, the complement: POLE is on the minus strand). VCF-style: chr12-132641821-G-A. GRCh37 (hg19) VCF-style: chr12-133218407-G-A.
Other names: short protein forms A1735V.
Identifiers: ClinVar variation 3225476 (VCV003225476.1), dbSNP rs1467058337, ClinGen allele CA387376439.

ClinVar aggregate classification (germline): Uncertain significance (1 of 4 stars; one submission).

Conditions:
Hereditary cancer-predisposing syndrome. Also called: Neoplastic Syndromes, Hereditary; Tumor predisposition; Hereditary neoplastic syndrome; Hereditary Cancer Syndrome. Identifiers: Orphanet 140162, MedGen C0027672, MeSH D009386, MONDO:0015356.

Allele frequency attached by ClinVar (database versions not stated): gnomAD exomes below 0.00001.
gnomAD v4.1: 2 of 1,601,786 alleles (0.00012%); highest among the groups gnomAD compares: Non-Finnish European, 0.00017%; no homozygotes.

Submission:

Ambry Genetics
Classification: Uncertain significance for Hereditary cancer-predisposing syndrome. Last evaluated: 2023-11-15. Review status: criteria provided, single submitter. Criteria: Ambry Variant Classification Scheme 2023. Collection method: clinical testing. Allele origin: germline.
Comment: The p.A1735V variant (also known as c.5204C>T), located in coding exon 39 of the POLE gene, results from a C to T substitution at nucleotide position 5204. The alanine at codon 1735 is replaced by valine, an amino acid with similar properties. This amino acid position is conserved. In addition, the in silico prediction for this alteration is inconclusive. Since supporting evidence is limited at this time, the clinical significance of this alteration remains unclear.